The following is an entry in ClinVar:

ClinVar aggregate classification (germline): Uncertain significance (1 of 4 stars; one submission).

Conditions:
DICER1-related tumor predisposition. Also called: DICER1-related pleuropulmonary blastoma cancer predisposition syndrome; DICER1 syndrome. Identifiers: Orphanet 284343, MedGen C3839822, MONDO:0100216.

Submission:

Labcorp Genetics (formerly Invitae), Labcorp
Classification: Uncertain significance for DICER1-related tumor predisposition. Last evaluated: 2022-05-18. Review status: criteria provided, single submitter. Criteria: Invitae Variant Classification Sherloc (09022015). Collection method: clinical testing. Allele origin: germline.
Comment: This variant, c.1278_1283del, results in the deletion of 2 amino acid(s) of the DICER1 protein (p.Glu428_Lys429del), but otherwise preserves the integrity of the reading frame. This variant is not present in population databases (gnomAD no frequency). This variant has not been reported in the literature in individuals affected with DICER1-related conditions. Experimental studies and prediction algorithms are not available or were not evaluated, and the functional significance of this variant is currently unknown. In summary, the available evidence is currently insufficient to determine the role of this variant in disease. Therefore, it has been classified as a Variant of Uncertain Significance.

NM_177438.3(DICER1):c.1278_1283del (p.426EK[1])

Gene: DICER1 (dicer 1, ribonuclease III; minus strand). Cytogenetic location: 14q32.13.
Variant type: Deletion.
Coding change: c.1278_1283del on transcript NM_177438.3 (MANE Select); coding-DNA positions 1278 to 1283, 6 bases deleted (AAAAGA; older notation c.1278_1283delAAAAGA).
Protein change: p.426EK[1].
Molecular consequence: inframe deletion. On other transcripts: inframe indel (1), 5 prime UTR variant (1), non-coding transcript variant (6).
Genome position (GRCh38, 1-based): chr14:95,124,289-95,124,294, TCTTTT deleted on the plus strand (AAAAGA on the coding strand, the reverse complement: DICER1 is on the minus strand); deleting any 6 consecutive bases within chr14:95,124,289-95,124,298 gives the same sequence; the c. name uses the placement nearest the transcript's 3' end. VCF-style (leftmost placement, unchanged base first): chr14-95124288-CTCTTTT-C. GRCh37 (hg19) VCF-style: chr14-95590625-CTCTTTT-C.
Other names: c.1278_1283del, p.426EK[1] (NM_001195573.1, NM_001271282.3, NM_001291628.2 and 14 more transcripts); c.1274_1279delAAGAAA, p.Glu428_Lys429del (NM_001395681.1); c.996_1001del, p.332EK[1] (NM_001395686.1); c.873_878del, p.291EK[1] (NM_001395687.1, NM_001395688.1, NM_001395689.1 and 3 more transcripts); c.711_716del, p.237EK[1] (NM_001395691.1); c.-291_-286del (NM_001395697.1).
Identifiers: ClinVar variation 1995985 (VCV001995985.4), dbSNP rs2543173689, ClinGen allele CA2580089073.